The following is an entry in ClinVar:

ClinVar aggregate classification (germline): Benign (1 of 4 stars; one submission).

Conditions:
Hereditary diffuse gastric adenocarcinoma (HDGC). Also called: DIFFUSE GASTRIC AND LOBULAR BREAST CANCER SYNDROME. Identifiers: Orphanet 26106, MedGen C1708349, MONDO:0007648, OMIM 137215.

Allele frequency attached by ClinVar (database versions not stated): 1000 Genomes Project 30x 0.00047; 1000 Genomes Project 0.00060; TOPMed 0.00065; gnomAD 0.00066 and 0.00069; gnomAD exomes 0.00070.
gnomAD v4.1: 157 of 231,198 alleles (0.068%); highest among the groups gnomAD compares: Middle Eastern, 0.26%; no homozygotes.

Submission:

Illumina Laboratory Services, Illumina
Classification: Benign for Hereditary diffuse gastric adenocarcinoma. Last evaluated: 2018-01-13. Review status: criteria provided, single submitter. Criteria: ICSL Variant Classification Criteria 13 December 2019. Collection method: clinical testing. Allele origin: germline.
Comment: This variant was observed in the ICSL laboratory as part of a predisposition screen in an ostensibly healthy population. It had not been previously curated by ICSL or reported in the Human Gene Mutation Database (HGMD: prior to June 1st, 2018), and was therefore a candidate for classification through an automated scoring system. Utilizing variant allele frequency, disease prevalence and penetrance estimates, and inheritance mode, an automated score was calculated to assess if this variant is too frequent to cause the disease. Based on the score and internal cut-off values, a variant classified as benign is not then subjected to further curation. The score for this variant resulted in a classification of benign for this disease.

NM_004360.5(CDH1):c.*1693G>T

Gene: CDH1 (cadherin 1; plus strand). Cytogenetic location: 16q22.1.
Variant type: single nucleotide variant.
Coding change: c.*1693G>T on transcript NM_004360.5 (MANE Select); 1693 bases downstream of the stop codon, G replaced by T.
Molecular consequence: 3 prime UTR variant.
Genome position (GRCh38, 1-based): chr16:68,835,192, G>T. VCF-style: chr16-68835192-G-T. GRCh37 (hg19) VCF-style: chr16-68869095-G-T.
Other names: c.*1693G>T (NM_001317184.2, NM_001317185.2, NM_001317186.2 and 1 more transcripts).
Identifiers: ClinVar variation 320298 (VCV000320298.5), dbSNP rs138279201, ClinGen allele CA10644122.
Genomic context (GRCh38, chr16:68,835,192, plus strand): 5'-TTTTTTTCTTAGGAGCAAGAAGAAAATGTGGCCCTAAAGGGGGTTAGTTGAGGGGTAGGG[G>T]GTAGTGAGGATCTTGATTTGGATCTCTTTTTATTTAAATGTGAATTTCAACTTTTGACAA-3'